The following is an entry in ClinVar:

NM_020975.6(RET):c.2610C>T (p.Leu870=)

Gene: RET (ret proto-oncogene; plus strand). Cytogenetic location: 10q11.21.
Variant type: single nucleotide variant.
Coding change: c.2610C>T on transcript NM_020975.6 (MANE Select); coding-DNA position 2610, C replaced by T.
Protein change: p.Leu870=; no amino-acid change (leucine 870 retained).
Molecular consequence: synonymous variant.
Genome position (GRCh38, 1-based): chr10:43,120,083, C>T. VCF-style: chr10-43120083-C-T. GRCh37 (hg19) VCF-style: chr10-43615531-C-T.
Other names: c.1593C>T, p.Leu531= (NM_001406785.1); c.1584C>T, p.Leu528= (NM_001406786.1, NM_001406783.1); c.1578C>T, p.Leu526= (NM_001406787.1); c.1425C>T, p.Leu475= (NM_001406788.1, NM_001406789.1, NM_001406790.1); c.1161C>T, p.Leu387= (NM_001406794.1, NM_001406792.1, NM_001406793.1); c.2610C>T, p.Leu870= (NM_020629.2, NM_020630.7, NM_000323.2 and 4 more transcripts); c.1305C>T, p.Leu435= (NM_001406791.1); c.1848C>T, p.Leu616= (NM_001355216.2); and 10 more.
Identifiers: ClinVar variation 486301 (VCV000486301.19), dbSNP rs575629307, ClinGen allele CA040233.
Genomic context (GRCh38, chr10:43,120,083, plus strand): 5'-GCCAGTGACCGCTGCTGCCTGGCCATGGCCTGACGACTCGTGCTATTTTTCCTCACAGCT[C>T]GTTCATCGGGACTTGGCAGCCAGAAACATCCTGGTAGCTGAGGGGCGGAAGATGAAGATT-3'
Protein context (NP_066124.1, residues 860-880): QGMQYLAEMK[Leu870=]VHRDLAARNI

ClinVar aggregate classification (germline): Benign/Likely benign. Review status: criteria provided, multiple submitters, no conflicts (2 of 4 stars). 4 submissions from 4 submitters: Benign (1); Likely benign (3). Last evaluated 2025-10-13.

Conditions:
Hereditary cancer-predisposing syndrome. Also called: Tumor predisposition; Hereditary Cancer Syndrome; Hereditary neoplastic syndrome; Neoplastic Syndromes, Hereditary. Identifiers: Orphanet 140162, MedGen C0027672, MeSH D009386, MONDO:0015356.
Multiple endocrine neoplasia, type 2 (MEN2). Identifiers: Orphanet 653, MedGen C4048306, MONDO:0019003. Disease mechanism: gain of function.
Multiple endocrine neoplasia type 2A. Also called: Multiple Endocrine Neoplasia Type 2A (MEN2A); MULTIPLE ENDOCRINE NEOPLASIA, TYPE IIA; PTC SYNDROME; SIPPLE SYNDROME; MEN 2A; MEN-2A syndrome. Identifiers: Orphanet 247698, Orphanet 653, MedGen C0025268, MeSH D018813, MONDO:0008234, OMIM 171400.

Allele frequency attached by ClinVar (database versions not stated): gnomAD exomes 0.00001 and 0.00003; ExAC 0.00004; TOPMed 0.00004; gnomAD 0.00005 and 0.00006; 1000 Genomes Project 30x 0.00016; 1000 Genomes Project 0.00020.
gnomAD v4.1: 31 of 1,613,750 alleles (0.0019%); highest among the groups gnomAD compares: African/African-American, 0.016%; 1 homozygote.

Submissions (4):

Labcorp Genetics (formerly Invitae), Labcorp
Classification: Likely benign for Multiple endocrine neoplasia, type 2. Last evaluated: 2025-10-13. Review status: criteria provided, single submitter. Criteria: Invitae Variant Classification Sherloc (09022015). Collection method: clinical testing. Allele origin: germline.

Myriad Genetics, Inc.
Classification: Benign for Multiple endocrine neoplasia type 2A. Last evaluated: 2025-02-27. Review status: criteria provided, single submitter. Criteria: Myriad Autosomal Dominant, Autosomal Recessive and X-Linked Classification Criteria (2023). Collection method: clinical testing. Allele origin: unknown.
Comment: This variant is considered benign. This variant is a silent/synonymous amino acid change and it is not expected to impact splicing.

Color Diagnostics, LLC DBA Color Health
Classification: Likely benign for Multiple endocrine neoplasia, type 2. Last evaluated: 2022-09-29. Review status: criteria provided, single submitter. Criteria: ACMG Guidelines, 2015. Collection method: clinical testing. Allele origin: germline.

Ambry Genetics
Classification: Likely benign for Hereditary cancer-predisposing syndrome. Last evaluated: 2015-09-06. Review status: criteria provided, single submitter. Criteria: Ambry Variant Classification Scheme 2023. Collection method: clinical testing. Allele origin: germline.